The following is an entry in ClinVar:

ClinVar aggregate classification (germline): Uncertain significance (1 of 4 stars; one submission).

Conditions:
Neuroblastoma, susceptibility to, 3. Also called: ALK-Related Neuroblastic Tumor Susceptibility. Identifiers: Orphanet 635, MedGen C2751681, MONDO:0013083, OMIM 613014.

Submission:

Labcorp Genetics (formerly Invitae), Labcorp
Classification: Uncertain significance for Neuroblastoma, susceptibility to, 3. Last evaluated: 2023-04-19. Review status: criteria provided, single submitter. Criteria: Invitae Variant Classification Sherloc (09022015). Collection method: clinical testing. Allele origin: germline.
Comment: In summary, the available evidence is currently insufficient to determine the role of this variant in disease. Therefore, it has been classified as a Variant of Uncertain Significance. An algorithm developed to predict the effect of missense changes on protein structure and function (PolyPhen-2) suggests that this variant is likely to be tolerated. This variant has not been reported in the literature in individuals affected with ALK-related conditions. This variant is not present in population databases (gnomAD no frequency). This sequence change replaces arginine, which is basic and polar, with threonine, which is neutral and polar, at codon 1530 of the ALK protein (p.Arg1530Thr).

NM_004304.5(ALK):c.4589G>C (p.Arg1530Thr)

Gene: ALK (ALK receptor tyrosine kinase; minus strand). Cytogenetic location: 2p23.2.
Variant type: single nucleotide variant.
Coding change: c.4589G>C on transcript NM_004304.5 (MANE Select); coding-DNA position 4589, G replaced by C.
Protein change: p.Arg1530Thr; replaces arginine 1530 with threonine.
Molecular consequence: missense variant.
Genome position (GRCh38, 1-based): chr2:29,193,498, C>G on the plus strand (G>C on the coding strand, the complement: ALK is on the minus strand). VCF-style: chr2-29193498-C-G. GRCh37 (hg19) VCF-style: chr2-29416364-C-G.
Other names: c.1385G>C, p.Arg462Thr (NM_001353765.2); short protein forms R1530T, R462T.
Identifiers: ClinVar variation 2857581 (VCV002857581.3), dbSNP rs141242925, ClinGen allele CA346460663.